The following is an entry in ClinVar:

NM_152703.5(SAMD9L):c.3997G>C (p.Glu1333Gln)

Gene: SAMD9L (sterile alpha motif domain containing 9 like; minus strand). Cytogenetic location: 7q21.2.
Variant type: single nucleotide variant.
Coding change: c.3997G>C on transcript NM_152703.5 (MANE Select); coding-DNA position 3997, G replaced by C.
Protein change: p.Glu1333Gln; replaces glutamic acid 1333 with glutamine.
Molecular consequence: missense variant.
Genome position (GRCh38, 1-based): chr7:93,131,975, C>G on the plus strand (G>C on the coding strand, the complement: SAMD9L is on the minus strand). VCF-style: chr7-93131975-C-G. GRCh37 (hg19) VCF-style: chr7-92761288-C-G.
Other names: c.3997G>C, p.Glu1333Gln (NM_001303496.3, NM_001303497.3, NM_001303498.3 and 5 more transcripts); c.3997G>C (NM_152703.2); short protein forms E1333Q.
Identifiers: ClinVar variation 1445148 (VCV001445148.7), dbSNP rs910014456, ClinGen allele CA161958747.

ClinVar aggregate classification (germline): Uncertain significance. Review status: criteria provided, multiple submitters, no conflicts (2 of 4 stars). 2 submissions from 2 submitters: Uncertain significance (2). Last evaluated 2026-06-20.

Conditions:
Inborn genetic diseases. Identifiers: MedGen C0950123, MeSH D030342.

Allele frequency attached by ClinVar (database versions not stated): gnomAD exomes below 0.00001; TOPMed 0.00001; gnomAD 0.00001.
gnomAD v4.1: 4 of 1,611,808 alleles (0.00025%); highest among the groups gnomAD compares: African/African-American, 0.0054%; no homozygotes.

Submissions (2):

Ambry Genetics
Classification: Uncertain significance for Inborn genetic diseases. Last evaluated: 2026-06-20. Review status: criteria provided, single submitter. Criteria: Ambry Variant Classification Scheme 2023. Collection method: clinical testing. Allele origin: germline.
Comment: The p.E1333Q variant (also known as c.3997G>C), located in coding exon 1 of the SAMD9L gene, results from a G to C substitution at nucleotide position 3997. The glutamic acid at codon 1333 is replaced by glutamine, an amino acid with highly similar properties. This amino acid position is conserved. In addition, this alteration is predicted to be tolerated by in silico analysis. Based on the available evidence, the clinical significance of this variant remains unclear.

Labcorp Genetics (formerly Invitae), Labcorp
Classification: Uncertain significance. Last evaluated: 2022-08-19. Review status: criteria provided, single submitter. Criteria: Invitae Variant Classification Sherloc (09022015). Collection method: clinical testing. Allele origin: germline.
Comment: ClinVar contains an entry for this variant (Variation ID: 1445148). This sequence change replaces glutamic acid, which is acidic and polar, with glutamine, which is neutral and polar, at codon 1333 of the SAMD9L protein (p.Glu1333Gln). This variant is present in population databases (no rsID available, gnomAD 0.01%). This variant has not been reported in the literature in individuals affected with SAMD9L-related conditions. Algorithms developed to predict the effect of missense changes on protein structure and function are either unavailable or do not agree on the potential impact of this missense change (SIFT: "Not Available"; PolyPhen-2: "Benign"; Align-GVGD: "Not Available"). In summary, the available evidence is currently insufficient to determine the role of this variant in disease. Therefore, it has been classified as a Variant of Uncertain Significance.